The following is an entry in ClinVar:

NM_001382508.1(DROSHA):c.1842T>G (p.Asn614Lys)

Genes: DROSHA (drosha ribonuclease III; minus strand), LOC123493282 (Sharpr-MPRA regulatory region 6191; plus strand). Cytogenetic location: 5p13.3.
Variant type: single nucleotide variant.
Coding change: c.1842T>G on transcript NM_001382508.1 (MANE Select); coding-DNA position 1842, T replaced by G.
Protein change: p.Asn614Lys; replaces asparagine 614 with lysine.
Molecular consequence: missense variant.
Genome position (GRCh38, 1-based): chr5:31,493,207, A>C on the plus strand (T>G on the coding strand, the complement: DROSHA is on the minus strand). VCF-style: chr5-31493207-A-C. GRCh37 (hg19) VCF-style: chr5-31493314-A-C.
Other names: c.1731T>G, p.Asn577Lys (NM_001100412.2); c.1842T>G, p.Asn614Lys (NM_013235.5); short protein forms N577K, N614K.
Identifiers: ClinVar variation 2024515 (VCV002024515.4), dbSNP rs1397819978, ClinGen allele CA359333942.

ClinVar aggregate classification (germline): Uncertain significance (1 of 4 stars; one submission).

Allele frequency attached by ClinVar (database versions not stated): gnomAD exomes below 0.00001.
gnomAD v4.1: 1 of 1,604,456 alleles (0.000062%); highest among the groups gnomAD compares: Admixed American, 0.0017%; no homozygotes.

Submission:

Labcorp Genetics (formerly Invitae), Labcorp
Classification: Uncertain significance. Last evaluated: 2022-09-14. Review status: criteria provided, single submitter. Criteria: Invitae Variant Classification Sherloc (09022015). Collection method: clinical testing. Allele origin: germline.
Comment: This sequence change replaces asparagine, which is neutral and polar, with lysine, which is basic and polar, at codon 614 of the DROSHA protein (p.Asn614Lys). This variant is present in population databases (no rsID available, gnomAD 0.003%). This variant has not been reported in the literature in individuals affected with DROSHA-related conditions. Algorithms developed to predict the effect of missense changes on protein structure and function are either unavailable or do not agree on the potential impact of this missense change (SIFT: "Not Available"; PolyPhen-2: "Benign"; Align-GVGD: "Not Available"). In summary, the available evidence is currently insufficient to determine the role of this variant in disease. Therefore, it has been classified as a Variant of Uncertain Significance.